The following is an entry in ClinVar:

ClinVar aggregate classification (germline): Pathogenic/Likely pathogenic. Review status: criteria provided, multiple submitters, no conflicts (2 of 4 stars). 2 submissions from 2 submitters: Pathogenic (1); Likely pathogenic (1). Last evaluated 2026-06-30.

Conditions:
Peroxisome biogenesis disorder. Identifiers: Orphanet 79189, MedGen C1832200, MONDO:0019234. Disease mechanism: loss of function.
Peroxisome biogenesis disorder 9B. Also called: Refsum disease, adult, 2; PEX7-Related Refsum Disease; PEROXISOME BIOGENESIS DISORDER, PEX7-RELATED, ATYPICAL. Identifiers: Orphanet 773, MedGen C2749346, MONDO:0013945, OMIM 614879.

Submissions (2):

Myriad Genetics, Inc.
Classification: Pathogenic for Peroxisome biogenesis disorder. Last evaluated: 2026-06-30. Review status: criteria provided, single submitter. Criteria: Myriad Autosomal Dominant, Autosomal Recessive and X-Linked Classification Criteria (2023). Collection method: clinical testing. Allele origin: unknown.
Comment: NM_000288.3(PEX7):c.747delA(K249Nfs*19) is a frameshift variant classified as pathogenic in the context of PEX7-related disorders. K249Nfs*19 has not been observed in cases with relevant disease. Relevant functional assessments of this variant are not available in the literature. K249Nfs*19 has not been observed in referenced population frequency databases. In summary, NM_000288.3(PEX7):c.747delA(K249Nfs*19) is a frameshift variant in a gene where loss of function is a known mechanism of disease and is predicted to disrupt protein function. Please note: this variant was assessed in the context of healthy population screening.

Baylor Genetics
Classification: Likely pathogenic for Peroxisome biogenesis disorder 9B. Last evaluated: 2023-01-19. Review status: criteria provided, single submitter. Criteria: ACMG Guidelines, 2015. Collection method: clinical testing. Allele origin: unknown.

NM_000288.4(PEX7):c.747del (p.Lys249fs)

Gene: PEX7 (peroxisomal biogenesis factor 7; plus strand). Cytogenetic location: 6q23.3.
Variant type: Deletion.
Coding change: c.747del on transcript NM_000288.4 (MANE Select); coding-DNA position 747, one base deleted (A; older notation c.747delA).
Protein change: p.Lys249fs; shifts the reading frame from lysine 249.
Molecular consequence: frameshift variant.
Genome position (GRCh38, 1-based): chr6:136,870,003, A deleted; the last of 3 consecutive A bases (chr6:136,870,001-136,870,003); deleting any one gives the same sequence. VCF-style (leftmost placement, unchanged base first): chr6-136870000-GA-G. GRCh37 (hg19) VCF-style: chr6-137191138-GA-G.
Other names: c.633del, p.Lys211fs (NM_001410945.1); short protein forms K211fs, K249fs.
Identifiers: ClinVar variation 2677730 (VCV002677730.2), dbSNP rs2548095417, ClinGen allele CA2695198357.